The following is an entry in ClinVar:

NM_001395159.1(UNC79):c.5206del (p.Ala1736fs)

Gene: UNC79 (unc-79 subunit of NALCN channel complex; plus strand). Cytogenetic location: 14q32.12.
Variant type: Deletion.
Coding change: c.5206del on transcript NM_001395159.1 (MANE Select); coding-DNA position 5206, one base deleted (G; older notation c.5206delG).
Protein change: p.Ala1736fs; shifts the reading frame from alanine 1736.
Molecular consequence: frameshift variant.
Genome position (GRCh38, 1-based): chr14:93,622,223, G deleted. VCF-style (leftmost placement, unchanged base first): chr14-93622222-TG-T. GRCh37 (hg19) VCF-style: chr14-94088568-TG-T.
Other names: c.5140del, p.Ala1714fs (NM_001346218.2); c.4459del, p.Ala1487fs (NM_020818.5); short protein forms A1714fs, A1487fs, A1736fs.
Identifiers: ClinVar variation 5008230 (VCV005008230.1).

ClinVar aggregate classification (germline): Likely pathogenic (1 of 4 stars; one submission).

Submission:

GeneDx
Classification: Likely pathogenic. Last evaluated: 2026-03-02. Review status: criteria provided, single submitter. Criteria: GeneDx Variant Classification Process June 2021. Collection method: clinical testing. Allele origin: germline.
Comment: Frameshift variant predicted to result in protein truncation or nonsense mediated decay in a gene for which loss of function is a known mechanism of disease; Not observed at significant frequency in large population cohorts (gnomAD); Has not been previously published as pathogenic or benign to our knowledge